The following is an entry in ClinVar:

ClinVar aggregate classification (germline): Uncertain significance (1 of 4 stars; one submission).

Submission:

Labcorp Genetics (formerly Invitae), Labcorp
Classification: Uncertain significance. Last evaluated: 2022-04-25. Review status: criteria provided, single submitter. Criteria: Invitae Variant Classification Sherloc (09022015). Collection method: clinical testing. Allele origin: germline.
Comment: In summary, the available evidence is currently insufficient to determine the role of this variant in disease. Therefore, it has been classified as a Variant of Uncertain Significance. Advanced modeling of protein sequence and biophysical properties (such as structural, functional, and spatial information, amino acid conservation, physicochemical variation, residue mobility, and thermodynamic stability) performed at Invitae indicates that this missense variant is not expected to disrupt MYO7A protein function. This variant has not been reported in the literature in individuals affected with MYO7A-related conditions. This variant is not present in population databases (gnomAD no frequency). This sequence change replaces threonine, which is neutral and polar, with serine, which is neutral and polar, at codon 2170 of the MYO7A protein (p.Thr2170Ser).

NM_000260.4(MYO7A):c.6509C>G (p.Thr2170Ser)

Gene: MYO7A (myosin VIIA; plus strand). Cytogenetic location: 11q13.5.
Variant type: single nucleotide variant.
Coding change: c.6509C>G on transcript NM_000260.4 (MANE Select); coding-DNA position 6509, C replaced by G.
Protein change: p.Thr2170Ser; replaces threonine 2170 with serine.
Molecular consequence: missense variant.
Genome position (GRCh38, 1-based): chr11:77,213,930, C>G. VCF-style: chr11-77213930-C-G. GRCh37 (hg19) VCF-style: chr11-76924975-C-G.
Other names: c.6389C>G, p.Thr2130Ser (NM_001127180.2); c.6362C>G, p.Thr2121Ser (NM_001369365.1); short protein forms T2130S, T2170S, T2121S.
Identifiers: ClinVar variation 1920365 (VCV001920365.5), dbSNP rs544709413, ClinGen allele CA381938061.